The following is an entry in ClinVar:

ClinVar aggregate classification (germline): Uncertain significance (1 of 4 stars; one submission).

Conditions:
Ataxia-telangiectasia syndrome (AT). Also called: LOUIS-BAR SYNDROME; Cerebello-oculocutaneous telangiectasia; Immunodeficiency with ataxia telangiectasia; Ataxia-telangiectasia, complementation group D; AT, COMPLEMENTATION GROUP C; ATAXIA-TELANGIECTASIA, COMPLEMENTATION GROUP A. Identifiers: Orphanet 100, MedGen C0004135, MONDO:0008840, OMIM 208900.

Submission:

Labcorp Genetics (formerly Invitae), Labcorp
Classification: Uncertain significance for Ataxia-telangiectasia syndrome. Last evaluated: 2025-07-18. Review status: criteria provided, single submitter. Criteria: Invitae Variant Classification Sherloc (09022015). Collection method: clinical testing. Allele origin: germline.
Comment: This sequence change replaces aspartic acid, which is acidic and polar, with tyrosine, which is neutral and polar, at codon 2661 of the ATM protein (p.Asp2661Tyr). This variant is not present in population databases (gnomAD no frequency). This variant has not been reported in the literature in individuals affected with ATM-related conditions. Invitae Evidence Modeling of protein sequence and biophysical properties (such as structural, functional, and spatial information, amino acid conservation, physicochemical variation, residue mobility, and thermodynamic stability) indicates that this missense variant is not expected to disrupt ATM protein function with a negative predictive value of 95%. Algorithms developed to predict the effect of sequence changes on RNA splicing suggest that this variant may disrupt the consensus splice site. In summary, the available evidence is currently insufficient to determine the role of this variant in disease. Therefore, it has been classified as a Variant of Uncertain Significance.

NM_000051.4(ATM):c.7981G>T (p.Asp2661Tyr)

Genes: ATM (ATM serine/threonine kinase; plus strand), C11orf65 (chromosome 11 open reading frame 65; minus strand). Cytogenetic location: 11q22.3.
Variant type: single nucleotide variant.
Coding change: c.7981G>T on transcript NM_000051.4 (MANE Select); coding-DNA position 7981, G replaced by T.
Protein change: p.Asp2661Tyr; replaces aspartic acid 2661 with tyrosine.
Molecular consequence: missense variant. On other transcripts: intron variant (2).
Genome position (GRCh38, 1-based): chr11:108,333,939, G>T. VCF-style: chr11-108333939-G-T. GRCh37 (hg19) VCF-style: chr11-108204666-G-T.
Other names: c.7981G>T, p.Asp2661Tyr (NM_001351834.2); c.641-24868C>A (NM_001330368.2); c.*38+1281C>A (NM_001351110.2); short protein forms D2661Y.
Identifiers: ClinVar variation 4747267 (VCV004747267.1).